The following is an entry in ClinVar:

NC_000012.11:g.(?_116534474)_(116675510_?)del

Gene: MED13L (mediator complex subunit 13L; minus strand). Cytogenetic location: 12q24.21.
Variant type: Deletion.
Identifiers: ClinVar variation 3244301 (VCV003244301.1).

ClinVar aggregate classification (germline): Pathogenic (1 of 4 stars; one submission).

Conditions:
Dextro-looped transposition of the great arteries. Also called: Dextrotransposition of the great arteries. Identifiers: Orphanet 860, MedGen C3531771, MONDO:0019443, OMIM 608808, HP:0031348.

Submission:

Labcorp Genetics (formerly Invitae), Labcorp
Classification: Pathogenic for Dextro-looped transposition of the great arteries. Last evaluated: 2023-10-05. Review status: criteria provided, single submitter. Criteria: Invitae Variant Classification Sherloc (09022015). Collection method: clinical testing. Allele origin: unknown.
Comment: This variant is a gross deletion of the genomic region encompassing exon(s) 2-4 of the MED13L gene. This deletion is out-of-frame, and is expected to create a premature termination codon and result in an absent or disrupted protein product. Loss-of-function variants in MED13L are known to be pathogenic (PMID: 25712080, 25758992). A similar copy number variant has been observed in individual(s) with MED13L-related intellectual disability (PMID: 29511999). For these reasons, this variant has been classified as Pathogenic.

Literature cited by the submitters: PubMed 25712080; PubMed 25758992; PubMed 29511999.